The following is an entry in ClinVar:

ClinVar aggregate classification (germline): Likely benign. Review status: criteria provided, multiple submitters, no conflicts (2 of 4 stars). 3 submissions from 3 submitters: Likely benign (2). 1 of the submissions does not count toward it. Last evaluated 2025-07-30.

Conditions:
Bardet-Biedl syndrome (BBS). Identifiers: Orphanet 110, MedGen C0752166, MONDO:0015229.
BBS10-related disorder. Also called: BBS10-related condition.

Allele frequency attached by ClinVar (database versions not stated): ExAC 0.00001; gnomAD 0.00001; gnomAD exomes 0.00001; TOPMed 0.00001.
gnomAD v4.1: 10 of 1,613,776 alleles (0.00062%); highest among the groups gnomAD compares: Non-Finnish European, 0.00085%; no homozygotes.

Submissions (3):

Labcorp Genetics (formerly Invitae), Labcorp
Classification: Likely benign for Bardet-Biedl syndrome. Last evaluated: 2025-07-30. Review status: criteria provided, single submitter. Criteria: Invitae Variant Classification Sherloc (09022015). Collection method: clinical testing. Allele origin: germline.

Blueprint Genetics
Classification: Likely benign. Last evaluated: 2019-09-25. Review status: criteria provided, single submitter. Criteria: ACMG Guidelines, 2015. Collection method: clinical testing. Allele origin: germline.

PreventionGenetics, part of Exact Sciences
Classification: Likely benign for BBS10-related condition. Last evaluated: 2024-03-29. Review status: no assertion criteria provided. Collection method: clinical testing. Allele origin: germline. Not counted in ClinVar's aggregate classification.
Comment: This variant is classified as likely benign based on ACMG/AMP sequence variant interpretation guidelines (Richards et al. 2015 PMID: 25741868, with internal and published modifications).

NM_024685.4(BBS10):c.661T>C (p.Leu221=)

Gene: BBS10 (Bardet-Biedl syndrome 10; minus strand). Cytogenetic location: 12q21.2.
Variant type: single nucleotide variant.
Coding change: c.661T>C on transcript NM_024685.4 (MANE Select); coding-DNA position 661, T replaced by C.
Protein change: p.Leu221=; no amino-acid change (leucine 221 retained).
Molecular consequence: synonymous variant.
Genome position (GRCh38, 1-based): chr12:76,347,324, A>G on the plus strand (T>C on the coding strand, the complement: BBS10 is on the minus strand). VCF-style: chr12-76347324-A-G. GRCh37 (hg19) VCF-style: chr12-76741104-A-G.
Other names: c.661T>C (NM_024685.3).
Identifiers: ClinVar variation 1115462 (VCV001115462.11), dbSNP rs768544411, ClinGen allele CA6694305.